The following is an entry in ClinVar:

ClinVar aggregate classification (germline): Likely benign (0 of 4 stars; one submission).

Conditions:
PLXNA3-related disorder. Also called: PLXNA3-related condition.

gnomAD v4.1: 16 of 1,208,294 alleles (0.0013%); highest among the groups gnomAD compares: Admixed American, 0.011%; no homozygotes.

Submission:

PreventionGenetics, part of Exact Sciences
Classification: Likely benign for PLXNA3-related condition. Last evaluated: 2024-01-04. Review status: no assertion criteria provided. Collection method: clinical testing. Allele origin: germline.
Comment: This variant is classified as likely benign based on ACMG/AMP sequence variant interpretation guidelines (Richards et al. 2015 PMID: 25741868, with internal and published modifications).

NM_017514.5(PLXNA3):c.3531G>A (p.Ser1177=)

Gene: PLXNA3 (plexin A3; plus strand). Cytogenetic location: Xq28.
Variant type: single nucleotide variant.
Coding change: c.3531G>A on transcript NM_017514.5 (MANE Select); coding-DNA position 3531, G replaced by A.
Protein change: p.Ser1177=; no amino-acid change (serine 1177 retained).
Molecular consequence: synonymous variant.
Genome position (GRCh38, 1-based): chrX:154,467,634, G>A. VCF-style: chrX-154467634-G-A. GRCh37 (hg19) VCF-style: chrX-153695977-G-A.
Identifiers: ClinVar variation 3350932 (VCV003350932.1).